The following is an entry in ClinVar:

ClinVar aggregate classification (germline): Uncertain significance (1 of 4 stars; one submission).

Conditions:
Hereditary cancer-predisposing syndrome. Also called: Neoplastic Syndromes, Hereditary; Tumor predisposition; Hereditary neoplastic syndrome; Hereditary Cancer Syndrome. Identifiers: Orphanet 140162, MedGen C0027672, MeSH D009386, MONDO:0015356.
Cardiovascular phenotype. Identifiers: MedGen CN230736.

Submission:

Ambry Genetics
Classification: Uncertain significance for Cardiovascular phenotype; Hereditary cancer-predisposing syndrome. Last evaluated: 2024-01-17. Review status: criteria provided, single submitter. Criteria: Ambry Variant Classification Scheme 2023. Collection method: clinical testing. Allele origin: germline.
Comment: The p.R355P variant (also known as c.1064G>C), located in coding exon 10 of the LZTR1 gene, results from a G to C substitution at nucleotide position 1064. The arginine at codon 355 is replaced by proline, an amino acid with dissimilar properties. This amino acid position is conserved. In addition, the in silico prediction for this alteration is inconclusive. Based on the available evidence, the clinical significance of this alteration remains unclear.

NM_006767.4(LZTR1):c.1064G>C (p.Arg355Pro)

Gene: LZTR1 (leucine zipper like post translational regulator 1; plus strand). Cytogenetic location: 22q11.21.
Variant type: single nucleotide variant.
Coding change: c.1064G>C on transcript NM_006767.4 (MANE Select); coding-DNA position 1064, G replaced by C.
Protein change: p.Arg355Pro; replaces arginine 355 with proline.
Molecular consequence: missense variant.
Genome position (GRCh38, 1-based): chr22:20,992,284, G>C. VCF-style: chr22-20992284-G-C. GRCh37 (hg19) VCF-style: chr22-21346573-G-C.
Other names: short protein forms R355P.
Identifiers: ClinVar variation 3238012 (VCV003238012.1), dbSNP rs1169088155.